The following is an entry in ClinVar:

ClinVar aggregate classification (germline): Uncertain significance (1 of 4 stars; one submission).

Allele frequency attached by ClinVar (database versions not stated): gnomAD exomes below 0.00001; TOPMed below 0.00001; gnomAD 0.00002.
gnomAD v4.1: 9 of 1,614,052 alleles (0.00056%); highest among the groups gnomAD compares: African/African-American, 0.004%; no homozygotes.

Submission:

Illumina Laboratory Services, Illumina
Classification: Uncertain significance. Last evaluated: 2022-12-21. Review status: criteria provided, single submitter. Criteria: ICSL CNVClassificationCriteria Aug2020. Collection method: clinical testing. Allele origin: unknown. Affected: yes.
Comment: The EIF2B4 c.1520A>G (p.Asn507Ser) missense variant results in the substitution of asparagine at amino acid position 507 with serine. This variant may also be referred to as NM_015636:c.1454A>G (p.Asn485Ser) or NM_001034116:c.1457A>G (p.Asn486Ser). To our knowledge, this variant has not been reported in the peer-reviewed literature. The c.1520A>G variant is not found in version 2.1.1 or version 3.1.2 of the Genome Aggregation Database. Multiple lines of computational evidence suggest the variant may have a deleterious effect on the gene or gene product. Based on the available evidence, the c.1520A>G (p.Asn507Ser) variant is classified as a variant of uncertain significance for leukoencephalopathy with vanishing white matter.

NM_001034116.2(EIF2B4):c.1457A>G (p.Asn486Ser)

Genes: EIF2B4 (eukaryotic translation initiation factor 2B subunit delta; minus strand), GTF3C2-AS2 (GTF3C2 antisense RNA 2; plus strand). Cytogenetic location: 2p23.3.
Variant type: single nucleotide variant.
Coding change: c.1457A>G on transcript NM_001034116.2 (MANE Select); coding-DNA position 1457, A replaced by G.
Protein change: p.Asn486Ser; replaces asparagine 486 with serine.
Molecular consequence: missense variant.
Genome position (GRCh38, 1-based): chr2:27,364,515, T>C on the plus strand (A>G on the coding strand, the complement: EIF2B4 is on the minus strand). VCF-style: chr2-27364515-T-C. GRCh37 (hg19) VCF-style: chr2-27587382-T-C.
Other names: c.1520A>G, p.Asn507Ser (NM_001318965.2); c.1412A>G, p.Asn471Ser (NM_001318966.2); c.1364A>G, p.Asn455Ser (NM_001318967.2); c.872A>G, p.Asn291Ser (NM_001318968.2); c.839A>G, p.Asn280Ser (NM_001318969.2); c.1454A>G, p.Asn485Ser (NM_015636.4); c.1517A>G, p.Asn506Ser (NM_172195.4); short protein forms N280S, N291S, N455S, N471S, N485S, N486S, N506S, N507S.
Identifiers: ClinVar variation 2429423 (VCV002429423.3), dbSNP rs1167111337, ClinGen allele CA346196638.
Genomic context (GRCh38, chr2:27,364,515, plus strand): 5'-ATCCCCAGCTCCGTGATCACCAGATCCACAAGCTCTGGGGGAGTCACATCATAGACTAGA[T>C]TCAACAACCGTAGGGATGCGTGGTTCTGCCAGTTAGCCAGCGCAACATGTTCTCCCCGCT-3'
Protein context (NP_001029288.1, residues 476-496): WQNHASLRLL[Asn486Ser]LVYDVTPPEL